The following is an entry in ClinVar:

NM_198578.4(LRRK2):c.2402A>G (p.Asn801Ser)

Gene: LRRK2 (leucine rich repeat kinase 2; plus strand). Cytogenetic location: 12q12.
Variant type: single nucleotide variant.
Coding change: c.2402A>G on transcript NM_198578.4 (MANE Select); coding-DNA position 2402, A replaced by G.
Protein change: p.Asn801Ser; replaces asparagine 801 with serine.
Molecular consequence: missense variant.
Genome position (GRCh38, 1-based): chr12:40,284,035, A>G. VCF-style: chr12-40284035-A-G. GRCh37 (hg19) VCF-style: chr12-40677837-A-G.
Other names: short protein forms N801S.
Identifiers: ClinVar variation 1790747 (VCV001790747.2), dbSNP rs1943813859, ClinGen allele CA384406954.

ClinVar aggregate classification (germline): Uncertain significance (1 of 4 stars; one submission).

Conditions:
Inborn genetic diseases. Identifiers: MedGen C0950123, MeSH D030342.

Allele frequency attached by ClinVar (database versions not stated): gnomAD 0.00001.
gnomAD v4.1: 1 of 1,613,750 alleles (0.000062%); highest among the groups gnomAD compares: Admixed American, 0.0017%; no homozygotes.

Submission:

Ambry Genetics
Classification: Uncertain significance for Inborn genetic diseases. Last evaluated: 2022-02-28. Review status: criteria provided, single submitter. Criteria: Ambry Variant Classification Scheme 2023. Collection method: clinical testing. Allele origin: germline.
Comment: The p.N801S variant (also known as c.2402A>G), located in coding exon 19 of the LRRK2 gene, results from an A to G substitution at nucleotide position 2402. The asparagine at codon 801 is replaced by serine, an amino acid with highly similar properties. This amino acid position is conserved. In addition, this alteration is predicted to be tolerated by in silico analysis. Since supporting evidence is limited at this time, the clinical significance of this alteration remains unclear.